The following is an entry in ClinVar:

ClinVar aggregate classification (germline): Uncertain significance. Review status: criteria provided, multiple submitters, no conflicts (2 of 4 stars). 3 submissions from 3 submitters: Uncertain significance (3). Last evaluated 2025-05-12.

Conditions:
Osteogenesis imperfecta type 8 (OI8). Identifiers: MedGen C1970458, MONDO:0012581, OMIM 610915.

Allele frequency attached by ClinVar (database versions not stated): gnomAD exomes 0.00006 and 0.00010; ExAC 0.00016; 1000 Genomes Project 0.00040; ESP Exome Variant Server 0.00046; 1000 Genomes Project 30x 0.00047; gnomAD 0.00052 and 0.00056; TOPMed 0.00053.

Submissions (3):

GeneDx
Classification: Uncertain significance. Last evaluated: 2025-05-12. Review status: criteria provided, single submitter. Criteria: GeneDx Variant Classification Process June 2021. Collection method: clinical testing. Allele origin: germline. Affected: yes.
Comment: In silico analysis supports that this missense variant has a deleterious effect on protein structure/function; Has not been previously published as pathogenic or benign to our knowledge

Blueprint Genetics
Classification: Uncertain significance. Last evaluated: 2023-12-14. Review status: criteria provided, single submitter. Criteria: ACMG Guidelines, 2015. Collection method: clinical testing. Allele origin: germline.

Labcorp Genetics (formerly Invitae), Labcorp
Classification: Uncertain significance for Osteogenesis imperfecta type 8. Last evaluated: 2022-11-01. Review status: criteria provided, single submitter. Criteria: Invitae Variant Classification Sherloc (09022015). Collection method: clinical testing. Allele origin: germline.
Comment: This sequence change replaces arginine, which is basic and polar, with cysteine, which is neutral and slightly polar, at codon 243 of the P3H1 protein (p.Arg243Cys). This variant is present in population databases (rs146982397, gnomAD 0.1%). This variant has not been reported in the literature in individuals affected with P3H1-related conditions. ClinVar contains an entry for this variant (Variation ID: 1055772). Advanced modeling of protein sequence and biophysical properties (such as structural, functional, and spatial information, amino acid conservation, physicochemical variation, residue mobility, and thermodynamic stability) performed at Invitae indicates that this missense variant is expected to disrupt P3H1 protein function. In summary, the available evidence is currently insufficient to determine the role of this variant in disease. Therefore, it has been classified as a Variant of Uncertain Significance.

NM_022356.4(P3H1):c.727C>T (p.Arg243Cys)

Gene: P3H1 (prolyl 3-hydroxylase 1; minus strand). Cytogenetic location: 1p34.2.
Variant type: single nucleotide variant.
Coding change: c.727C>T on transcript NM_022356.4 (MANE Select); coding-DNA position 727, C replaced by T.
Protein change: p.Arg243Cys; replaces arginine 243 with cysteine.
Molecular consequence: missense variant.
Genome position (GRCh38, 1-based): chr1:42,759,282, G>A on the plus strand (C>T on the coding strand, the complement: P3H1 is on the minus strand). VCF-style: chr1-42759282-G-A. GRCh37 (hg19) VCF-style: chr1-43224953-G-A.
Other names: c.727C>T, p.Arg243Cys (NM_001146289.2, NM_001243246.2); c.727C>T (NM_022356.3); short protein forms R243C.
Identifiers: ClinVar variation 1055772 (VCV001055772.8), dbSNP rs146982397, ClinGen allele CA802091.